The following is an entry in ClinVar:

NM_006922.4(SCN3A):c.4975G>A (p.Gly1659Ser)

Gene: SCN3A (sodium voltage-gated channel alpha subunit 3; minus strand). Cytogenetic location: 2q24.3.
Variant type: single nucleotide variant.
Coding change: c.4975G>A on transcript NM_006922.4 (MANE Select); coding-DNA position 4975, G replaced by A.
Protein change: p.Gly1659Ser; replaces glycine 1659 with serine.
Molecular consequence: missense variant.
Genome position (GRCh38, 1-based): chr2:165,091,178, C>T on the plus strand (G>A on the coding strand, the complement: SCN3A is on the minus strand). VCF-style: chr2-165091178-C-T. GRCh37 (hg19) VCF-style: chr2-165947688-C-T.
Other names: c.4828G>A, p.Gly1610Ser (NM_001081676.2, NM_001081677.2); short protein forms G1610S, G1659S.
Identifiers: ClinVar variation 1058705 (VCV001058705.9), dbSNP rs761912704, ClinGen allele CA1938462.
Genomic context (GRCh38, chr2:165,091,178, plus strand): 5'-AGGCAAAGTTGGACATCCCAAAGATGGCATAGATAAACATGACCAGGAAGAGCAGGAGGC[C>T]GATGTTAAACAACGCAGGAAGGGACATCATCAAAGCAAAGAGCAGCGTGCGGATCCCCTT-3'
Protein context (NP_008853.3, residues 1649-1669): MMSLPALFNI[Gly1659Ser]LLLFLVMFIY

ClinVar aggregate classification (germline): Uncertain significance (1 of 4 stars; one submission).

Allele frequency attached by ClinVar (database versions not stated): gnomAD exomes below 0.00001 and 0.00001; ExAC 0.00001; gnomAD 0.00001 and 0.00002; TOPMed 0.00001.
gnomAD v4.1: 7 of 1,613,902 alleles (0.00043%); highest among the groups gnomAD compares: South Asian, 0.0022%; no homozygotes.

Submission:

Labcorp Genetics (formerly Invitae), Labcorp
Classification: Uncertain significance. Last evaluated: 2025-08-15. Review status: criteria provided, single submitter. Criteria: Invitae Variant Classification Sherloc (09022015). Collection method: clinical testing. Allele origin: germline.
Comment: This sequence change replaces glycine, which is neutral and non-polar, with serine, which is neutral and polar, at codon 1659 of the SCN3A protein (p.Gly1659Ser). This variant is present in population databases (rs761912704, gnomAD 0.003%). This variant has not been reported in the literature in individuals affected with SCN3A-related conditions. ClinVar contains an entry for this variant (Variation ID: 1058705). Invitae Evidence Modeling of protein sequence and biophysical properties (such as structural, functional, and spatial information, amino acid conservation, physicochemical variation, residue mobility, and thermodynamic stability) has been performed for this missense variant. However, the output from this modeling did not meet the statistical confidence thresholds required to predict the impact of this variant on SCN3A protein function. In summary, the available evidence is currently insufficient to determine the role of this variant in disease. Therefore, it has been classified as a Variant of Uncertain Significance.